The following is an entry in ClinVar:

NM_003476.5(CSRP3):c.358T>C (p.Cys120Arg)

Gene: CSRP3 (cysteine and glycine rich protein 3; minus strand). Cytogenetic location: 11p15.1.
Variant type: single nucleotide variant.
Coding change: c.358T>C on transcript NM_003476.5 (MANE Select); coding-DNA position 358, T replaced by C.
Protein change: p.Cys120Arg; replaces cysteine 120 with arginine.
Molecular consequence: missense variant. On other transcripts: synonymous variant (1).
Genome position (GRCh38, 1-based): chr11:19,186,272, A>G on the plus strand (T>C on the coding strand, the complement: CSRP3 is on the minus strand). VCF-style: chr11-19186272-A-G. GRCh37 (hg19) VCF-style: chr11-19207819-A-G.
Other names: c.189T>C, p.Ser63= (NM_001369404.1); c.358T>C (NM_003476.3); short protein forms C120R.
Identifiers: ClinVar variation 1062510 (VCV001062510.10), dbSNP rs2133508417, ClinGen allele CA379887942.
Genomic context (GRCh38, chr11:19,186,272, plus strand): 5'-TTACCTTGCCACCTCCCATAACCTTCTCAGCAGCATAGACTGACTTGCCACATCGAGGGC[A>G]CTTCTCGGACTCTCCAAACTTCGCAGTGAATTTGGAAGGGTTGCTGGTGGTAACTGAGCG-3'
Protein context (NP_003467.1, residues 110-130): FTAKFGESEK[Cys120Arg]PRCGKSVYAA

ClinVar aggregate classification (germline): Uncertain significance. Review status: criteria provided, multiple submitters, no conflicts (2 of 4 stars). 2 submissions from 2 submitters: Uncertain significance (2). Last evaluated 2022-05-18.

Conditions:
Dilated cardiomyopathy 1M (CMD1M). Identifiers: Orphanet 154, MedGen C1843808, MONDO:0011840, OMIM 607482.
Hypertrophic cardiomyopathy 12. Identifiers: MedGen C2677491, MONDO:0012804, OMIM 612124.
Cardiovascular phenotype. Identifiers: MedGen CN230736.

Submissions (2):

Ambry Genetics
Classification: Uncertain significance for Cardiovascular phenotype. Last evaluated: 2022-05-18. Review status: criteria provided, single submitter. Criteria: Ambry Variant Classification Scheme 2023. Collection method: clinical testing. Allele origin: germline.

Labcorp Genetics (formerly Invitae), Labcorp
Classification: Uncertain significance for Hypertrophic cardiomyopathy 12; Dilated cardiomyopathy 1M. Last evaluated: 2020-05-25. Review status: criteria provided, single submitter. Criteria: Invitae Variant Classification Sherloc (09022015). Collection method: clinical testing. Allele origin: germline.
Comment: In summary, the available evidence is currently insufficient to determine the role of this variant in disease. Therefore, it has been classified as a Variant of Uncertain Significance. Algorithms developed to predict the effect of missense changes on protein structure and function are either unavailable or do not agree on the potential impact of this missense change (SIFT: "Deleterious"; PolyPhen-2: "Probably Damaging"; Align-GVGD: "Class C0"). This variant has not been reported in the literature in individuals with CSRP3-related conditions. This variant is not present in population databases (ExAC no frequency). This sequence change replaces cysteine with arginine at codon 120 of the CSRP3 protein (p.Cys120Arg). The cysteine residue is highly conserved and there is a large physicochemical difference between cysteine and arginine.